The following is an entry in ClinVar:

ClinVar aggregate classification (germline): Uncertain significance (1 of 4 stars; one submission).

Allele frequency attached by ClinVar (database versions not stated): TOPMed below 0.00001; ExAC 0.00005.
gnomAD v4.1: 1 of 1,546,452 alleles (0.000065%); highest among the groups gnomAD compares: Non-Finnish European, 0.000087%; no homozygotes.

Submission:

GeneDx
Classification: Uncertain significance. Last evaluated: 2019-09-17. Review status: criteria provided, single submitter. Criteria: GeneDx Variant Classification Process June 2021. Collection method: clinical testing. Allele origin: germline. Affected: yes.
Comment: In silico analysis, which includes protein predictors and evolutionary conservation, supports that this variant does not alter protein structure/function; Has not been previously published as pathogenic or benign to our knowledge

NM_001142864.4(PIEZO1):c.5513C>T (p.Thr1838Ile)

Gene: PIEZO1 (piezo type mechanosensitive ion channel component 1; minus strand). Cytogenetic location: 16q24.3.
Variant type: single nucleotide variant.
Coding change: c.5513C>T on transcript NM_001142864.4 (MANE Select); coding-DNA position 5513, C replaced by T.
Protein change: p.Thr1838Ile; replaces threonine 1838 with isoleucine.
Molecular consequence: missense variant.
Genome position (GRCh38, 1-based): chr16:88,721,321, G>A on the plus strand (C>T on the coding strand, the complement: PIEZO1 is on the minus strand). VCF-style: chr16-88721321-G-A. GRCh37 (hg19) VCF-style: chr16-88787729-G-A.
Other names: c.5513C>T, p.Thr1838Ile (LRG_1137t1); short protein forms T1838I.
Identifiers: ClinVar variation 430441 (VCV000430441.3), dbSNP rs745612488, ClinGen allele CA8231859.